The following is an entry in ClinVar:

ClinVar aggregate classification (germline): Uncertain significance. Review status: criteria provided, multiple submitters, no conflicts (2 of 4 stars). 5 submissions from 5 submitters: Uncertain significance (4). 1 of the submissions does not count toward it. Last evaluated 2025-07-08.

Conditions:
Autosomal recessive limb-girdle muscular dystrophy type 2A (LGMDR1). Also called: Calpainopathy; MUSCULAR DYSTROPHY, PELVOFEMORAL; Limb-girdle muscular dystrophy, type 2A; Muscular dystrophy, limb-girdle, type 2A, Amish; LEYDEN-MOEBIUS MUSCULAR DYSTROPHY. Identifiers: Orphanet 267, MedGen C1869123, MONDO:0009675, OMIM 253600. Disease mechanism: loss of function.

Allele frequency attached by ClinVar (database versions not stated): ExAC 0.00002; gnomAD exomes 0.00002 and 0.00010; TOPMed 0.00004; gnomAD 0.00005.
gnomAD v4.1: 153 of 1,613,966 alleles (0.0095%); highest among the groups gnomAD compares: Non-Finnish European, 0.012%; no homozygotes.

Submissions (5):

Labcorp Genetics (formerly Invitae), Labcorp
Classification: Uncertain significance for Autosomal recessive limb-girdle muscular dystrophy type 2A. Last evaluated: 2025-07-08. Review status: criteria provided, single submitter. Criteria: Invitae Variant Classification Sherloc (09022015). Collection method: clinical testing. Allele origin: germline.
Comment: This sequence change replaces serine, which is neutral and polar, with proline, which is neutral and non-polar, at codon 279 of the CAPN3 protein (p.Ser279Pro). This variant is present in population databases (rs755930521, gnomAD 0.005%). This missense change has been observed in individual(s) with CAPN3-related disease (PMID: 30564623). ClinVar contains an entry for this variant (Variation ID: 286203). Invitae Evidence Modeling of protein sequence and biophysical properties (such as structural, functional, and spatial information, amino acid conservation, physicochemical variation, residue mobility, and thermodynamic stability) indicates that this missense variant is not expected to disrupt CAPN3 protein function with a negative predictive value of 80%. In summary, the available evidence is currently insufficient to determine the role of this variant in disease. Therefore, it has been classified as a Variant of Uncertain Significance.

Revvity Omics, Revvity
Classification: Uncertain significance. Last evaluated: 2022-10-01. Review status: criteria provided, single submitter. Criteria: ACMG Guidelines, 2015. Collection method: clinical testing. Allele origin: germline.

Athena Diagnostics
Classification: Uncertain significance. Last evaluated: 2021-11-29. Review status: criteria provided, single submitter. Criteria: Athena Diagnostics Criteria. Collection method: clinical testing. Allele origin: unknown.

Eurofins Ntd Llc (ga)
Classification: Uncertain significance. Last evaluated: 2016-02-23. Review status: criteria provided, single submitter. Criteria: EGL Classification Definitions 2015. Collection method: clinical testing. Allele origin: germline. Observed: 2 variant alleles, 2 heterozygotes.

Natera, Inc.
Classification: Uncertain significance for Limb-girdle muscular dystrophy type 2A. Last evaluated: 2020-03-05. Review status: no assertion criteria provided. Collection method: clinical testing. Allele origin: germline. Not counted in ClinVar's aggregate classification.

Literature cited by the submitters: PubMed 30564623 (cited by Labcorp Genetics (formerly Invitae), Labcorp).

NM_000070.3(CAPN3):c.835T>C (p.Ser279Pro)

Gene: CAPN3 (calpain 3; plus strand). Cytogenetic location: 15q15.1.
Variant type: single nucleotide variant.
Coding change: c.835T>C on transcript NM_000070.3 (MANE Select); coding-DNA position 835, T replaced by C.
Protein change: p.Ser279Pro; replaces serine 279 with proline.
Molecular consequence: missense variant. On other transcripts: intron variant (1).
Genome position (GRCh38, 1-based): chr15:42,389,986, T>C. VCF-style: chr15-42389986-T-C. GRCh37 (hg19) VCF-style: chr15-42682184-T-C.
Other names: c.835T>C, p.Ser279Pro (NM_024344.2); c.801+890T>C (NM_173087.2); short protein forms S279P.
Identifiers: ClinVar variation 286203 (VCV000286203.17), dbSNP rs755930521, ClinGen allele CA7511144.
Genomic context (GRCh38, chr15:42,389,986, plus strand): 5'-TTCCCTACATTCTCCATCGGGCCTCAGGATGGCACGAACATGACCTATGGAACCTCTCCT[T>C]CTGGTCTGAACATGGGGGAGTTGATTGCACGGATGGTAAGGAATATGGATAACTCACTGC-3'
Protein context (NP_000061.1, residues 269-289): GTNMTYGTSP[Ser279Pro]GLNMGELIAR